The following is an entry in ClinVar:

NM_001204.7(BMPR2):c.2509A>G (p.Asn837Asp)

Gene: BMPR2 (bone morphogenetic protein receptor type 2; plus strand). Cytogenetic location: 2q33.2.
Variant type: single nucleotide variant.
Coding change: c.2509A>G on transcript NM_001204.7 (MANE Select); coding-DNA position 2509, A replaced by G.
Protein change: p.Asn837Asp; replaces asparagine 837 with aspartic acid.
Molecular consequence: missense variant.
Genome position (GRCh38, 1-based): chr2:202,556,174, A>G. VCF-style: chr2-202556174-A-G. GRCh37 (hg19) VCF-style: chr2-203420897-A-G.
Other names: short protein forms N837D.
Identifiers: ClinVar variation 4867646 (VCV004867646.1).

ClinVar aggregate classification (germline): Uncertain significance (1 of 4 stars; one submission).

Conditions:
Inborn genetic diseases. Identifiers: MedGen C0950123, MeSH D030342.

gnomAD v4.1: 2 of 1,611,812 alleles (0.00012%); highest among the groups gnomAD compares: Admixed American, 0.0017%; no homozygotes.

Submission:

Ambry Genetics
Classification: Uncertain significance for Inborn genetic diseases. Last evaluated: 2026-05-30. Review status: criteria provided, single submitter. Criteria: Ambry Variant Classification Scheme 2023. Collection method: clinical testing. Allele origin: germline.
Comment: The p.N837D variant (also known as c.2509A>G), located in coding exon 12 of the BMPR2 gene, results from an A to G substitution at nucleotide position 2509. The asparagine at codon 837 is replaced by aspartic acid, an amino acid with highly similar properties. This amino acid position is conserved. In addition, this alteration is predicted to be tolerated by in silico analysis. Based on the available evidence, the clinical significance of this variant remains unclear.